The following is an entry in ClinVar:

NC_000017.10:g.(?_33427972)_(33428394_?)del

Gene: RAD51D (RAD51 paralog D; minus strand). Cytogenetic location: 17q12.
Variant type: Deletion.
Identifiers: ClinVar variation 3243097 (VCV003243097.1).

ClinVar aggregate classification (germline): Pathogenic (1 of 4 stars; one submission).

Conditions:
Breast-ovarian cancer, familial, susceptibility to, 4. Identifiers: Orphanet 145, MedGen C3280345, MONDO:0013669, OMIM 614291.

Submission:

Labcorp Genetics (formerly Invitae), Labcorp
Classification: Pathogenic for Breast-ovarian cancer, familial, susceptibility to, 4. Last evaluated: 2023-09-15. Review status: criteria provided, single submitter. Criteria: Invitae Variant Classification Sherloc (09022015). Collection method: clinical testing. Allele origin: unknown.
Comment: This variant is a gross deletion of the genomic region encompassing exon(s) 9-10 of the RAD51D gene, which includes the termination codon. This deletion extends beyond the assayed region for this gene and therefore may encompass additional genes. While this deletion is not anticipated to lead to nonsense mediated decay, it is expected to alter mRNA translation or result in a truncated protein product. A similar copy number variant has been observed in individual(s) with breast cancer and/or ovarian cancer (PMID: 28888541, 32427313; Invitae). It has also been observed to segregate with disease in related individuals. This variant disrupts the ATPase domain and RAD51C interaction domain of the RAD51D protein, which are necessary for the DNA repair activity (PMID: 14704354, 19327148, 21111057, 10749867). While functional studies have not been performed to directly test the effect of this variant on RAD51D protein function, this suggests that disruption of this region of the protein is causative of disease. For these reasons, this variant has been classified as Pathogenic.

Literature cited by the submitters: PubMed 28888541; PubMed 32427313; PubMed 14704354; PubMed 19327148; PubMed 21111057; PubMed 10749867.